The following is an entry in ClinVar:

ClinVar aggregate classification (germline): Pathogenic. Review status: criteria provided, multiple submitters, no conflicts (2 of 4 stars). 8 submissions from 6 submitters: Pathogenic (7). 1 of the submissions does not count toward it. Last evaluated 2024-10-02.

Conditions:
Retinitis pigmentosa 12 (RP12). Also called: RP WITH OR WITHOUT PPRPE; RP WITH OR WITHOUT PRESERVED PARAARTERIOLE RETINAL PIGMENT EPITHELIUM; RETINITIS PIGMENTOSA WITH OR WITHOUT PARAARTERIOLAR PRESERVATION OF RETINAL PIGMENT EPITHELIUM. Identifiers: Orphanet 791, MedGen C1838647, MONDO:0010818, OMIM 600105.
Leber congenital amaurosis 8 (LCA8). Identifiers: Orphanet 65, MedGen C3151202, MONDO:0013453, OMIM 613835.
Retinal dystrophy. Also called: Inherited retinal dystrophy. Identifiers: Orphanet 71862, MedGen C0854723, MeSH D058499, MONDO:0019118, HP:0000556.
Pigmented paravenous retinochoroidal atrophy. Identifiers: Orphanet 251295, MedGen C1868310, MONDO:0008246, OMIM 172870.

gnomAD v4.1: 3 of 1,613,852 alleles (0.00019%); highest among the groups gnomAD compares: Non-Finnish European, 0.00017%; no homozygotes.

Submissions (8):

Women's Health and Genetics/Laboratory Corporation of America, LabCorp
Classification: Pathogenic for Retinal dystrophy. Last evaluated: 2024-10-02. Review status: criteria provided, single submitter. Criteria: LabCorp Variant Classification Summary - May 2015. Collection method: clinical testing. Allele origin: germline.
Comment: Variant summary: CRB1 c.4142C>T (p.Pro1381Leu) results in a non-conservative amino acid change in the encoded protein sequence. Five of five in-silico tools predict a damaging effect of the variant on protein function. The variant was absent in 250470 control chromosomes (gnomAD). c.4142C>T has been reported in the literature in multiple individuals affected with Leber congenital amaurosis, Retinitis pigmentosa or early-onset retinal dystrophy (Henderson_2011, Corton_2013, Tsang_2014, Sallum_2020). These data indicate that the variant is very likely to be associated with disease. To our knowledge, no experimental evidence demonstrating an impact on protein function has been reported. The following publications have been ascertained in the context of this evaluation (PMID: 23379534, 20956273, 32865313, 24811962). ClinVar contains an entry for this variant (Variation ID: 973928). Based on the evidence outlined above, the variant was classified as pathogenic.

Labcorp Genetics (formerly Invitae), Labcorp
Classification: Pathogenic for Leber congenital amaurosis 8; Retinitis pigmentosa 12. Last evaluated: 2023-11-27. Review status: criteria provided, single submitter. Criteria: Invitae Variant Classification Sherloc (09022015). Collection method: clinical testing. Allele origin: germline.
Comment: This sequence change replaces proline, which is neutral and non-polar, with leucine, which is neutral and non-polar, at codon 1381 of the CRB1 protein (p.Pro1381Leu). This variant is not present in population databases (gnomAD no frequency). This missense change has been observed in individuals with CRB1-related conditions (PMID: 20956273, 23379534, 24811962). It has also been observed to segregate with disease in related individuals. ClinVar contains an entry for this variant (Variation ID: 973928). Advanced modeling of protein sequence and biophysical properties (such as structural, functional, and spatial information, amino acid conservation, physicochemical variation, residue mobility, and thermodynamic stability) performed at Invitae indicates that this missense variant is expected to disrupt CRB1 protein function with a positive predictive value of 95%. For these reasons, this variant has been classified as Pathogenic.

Baylor Genetics
Classification: Pathogenic for Leber congenital amaurosis 8. Last evaluated: 2023-06-28. Review status: criteria provided, single submitter. Criteria: ACMG Guidelines, 2015. Collection method: clinical testing. Allele origin: unknown.

Genome-Nilou Lab
Classification: Pathogenic for Leber congenital amaurosis 8. Last evaluated: 2023-04-11. Review status: criteria provided, single submitter. Criteria: ACMG Guidelines, 2015. Collection method: clinical testing. Allele origin: germline. Affected: no.

Genome-Nilou Lab
Classification: Pathogenic for Pigmented paravenous retinochoroidal atrophy. Last evaluated: 2023-04-11. Review status: criteria provided, single submitter. Criteria: ACMG Guidelines, 2015. Collection method: clinical testing. Allele origin: germline. Affected: no.

Genome-Nilou Lab
Classification: Pathogenic for Retinitis pigmentosa 12. Last evaluated: 2023-04-11. Review status: criteria provided, single submitter. Criteria: ACMG Guidelines, 2015. Collection method: clinical testing. Allele origin: germline. Affected: no.

Mendelics
Classification: Pathogenic for Pigmented paravenous retinochoroidal atrophy. Last evaluated: 2022-05-04. Review status: criteria provided, single submitter. Criteria: Mendelics Assertion Criteria 2019. Collection method: clinical testing. Allele origin: germline.

Laboratory of Genetics in Ophthalmology, Institut Imagine
Classification: Likely pathogenic for Leber congenital amaurosis 8. Review status: no assertion criteria provided. Collection method: research. Allele origin: inherited. Affected: yes. Observed: 1 variant allele. Not counted in ClinVar's aggregate classification.

Literature cited by the submitters: PubMed 32865313 (cited by Women's Health and Genetics/Laboratory Corporation of America, LabCorp); PubMed 20956273 (cited by 3 submitters); PubMed 23379534 (cited by Women's Health and Genetics/Laboratory Corporation of America, LabCorp and Labcorp Genetics (formerly Invitae), Labcorp); PubMed 24811962 (cited by Women's Health and Genetics/Laboratory Corporation of America, LabCorp and Labcorp Genetics (formerly Invitae), Labcorp).

NM_201253.3(CRB1):c.4142C>T (p.Pro1381Leu)

Gene: CRB1 (crumbs cell polarity complex component 1; plus strand). Cytogenetic location: 1q31.3.
Variant type: single nucleotide variant.
Coding change: c.4142C>T on transcript NM_201253.3 (MANE Select); coding-DNA position 4142, C replaced by T.
Protein change: p.Pro1381Leu; replaces proline 1381 with leucine.
Molecular consequence: missense variant. On other transcripts: non-coding transcript variant (2).
Genome position (GRCh38, 1-based): chr1:197,477,800, C>T. VCF-style: chr1-197477800-C-T. GRCh37 (hg19) VCF-style: chr1-197446930-C-T.
Other names: c.3806C>T, p.Pro1269Leu (NM_001193640.2); c.4070C>T, p.Pro1357Leu (NM_001257965.2); c.2534C>T, p.Pro845Leu (NM_001257966.2); short protein forms P1269L, P1357L, P1381L, P845L.
Identifiers: ClinVar variation 973928 (VCV000973928.11), dbSNP rs1667264651, ClinGen allele CA344035786.